The following is an entry in ClinVar:

ClinVar aggregate classification (germline): Uncertain significance (1 of 4 stars; one submission).

Conditions:
Familial thoracic aortic aneurysm and aortic dissection (TAAD). Also called: Thoracic aortic aneurysms and dissections. Identifiers: Orphanet 91387, MedGen C4707243, MONDO:0019625.

Submission:

Labcorp Genetics (formerly Invitae), Labcorp
Classification: Uncertain significance for Familial thoracic aortic aneurysm and aortic dissection. Last evaluated: 2021-06-19. Review status: criteria provided, single submitter. Criteria: Invitae Variant Classification Sherloc (09022015). Collection method: clinical testing. Allele origin: germline.
Comment: Advanced modeling of protein sequence and biophysical properties (such as structural, functional, and spatial information, amino acid conservation, physicochemical variation, residue mobility, and thermodynamic stability) performed at Invitae indicates that this missense variant is not expected to disrupt TGFBR2 protein function. In summary, the available evidence is currently insufficient to determine the role of this variant in disease. Therefore, it has been classified as a Variant of Uncertain Significance. This variant has not been reported in the literature in individuals with TGFBR2-related conditions. This variant is not present in population databases (ExAC no frequency). This sequence change replaces valine with methionine at codon 85 of the TGFBR2 protein (p.Val85Met). The valine residue is moderately conserved and there is a small physicochemical difference between valine and methionine.

NM_003242.6(TGFBR2):c.253G>A (p.Val85Met)

Gene: TGFBR2 (transforming growth factor beta receptor 2; plus strand). Cytogenetic location: 3p24.1.
Variant type: single nucleotide variant.
Coding change: c.253G>A on transcript NM_003242.6 (MANE Select); coding-DNA position 253, G replaced by A.
Protein change: p.Val85Met; replaces valine 85 with methionine.
Molecular consequence: missense variant.
Genome position (GRCh38, 1-based): chr3:30,644,905, G>A. VCF-style: chr3-30644905-G-A. GRCh37 (hg19) VCF-style: chr3-30686397-G-A.
Other names: c.328G>A, p.Val110Met (NM_001024847.3, NM_001407126.1, NM_001407139.1); c.253G>A, p.Val85Met (NM_001407127.1, NM_001407130.1); c.280G>A, p.Val94Met (NM_001407128.1); c.148G>A, p.Val50Met (NM_001407129.1, NM_001407132.1, NM_001407133.1 and 3 more transcripts); short protein forms V85M, V110M, V50M, V94M.
Identifiers: ClinVar variation 1362554 (VCV001362554.9), dbSNP rs2125404915, ClinGen allele CA351806656.